The following is an entry in ClinVar:

NM_001127198.5(TMC6):c.430+6T>C

Gene: TMC6 (transmembrane channel like 6; minus strand). Cytogenetic location: 17q25.3.
Variant type: single nucleotide variant.
Coding change: c.430+6T>C on transcript NM_001127198.5 (MANE Select); 6 bases into the intron after coding-DNA position 430, T replaced by C.
Molecular consequence: intron variant.
Genome position (GRCh38, 1-based): chr17:78,125,720, A>G on the plus strand (T>C on the coding strand, the complement: TMC6 is on the minus strand). VCF-style: chr17-78125720-A-G. GRCh37 (hg19) VCF-style: chr17-76121801-A-G.
Other names: c.430+6T>C (NM_001374594.1, NM_001374596.1, NM_001374593.1 and 4 more transcripts).
Identifiers: ClinVar variation 1502392 (VCV001502392.3), dbSNP rs753678919, ClinGen allele CA8796137.
Genomic context (GRCh38, chr17:78,125,720, plus strand): 5'-GCTGGCCTCTTGCACCCCACCCCAGGCCGGTGTCCGCCACTGGGGCTCCAGTGCCCACTC[A>G]CTCACCCTCCTCCTCCAGGGCCGTGGGGTCCAGCTCCAGGTCGTACAGGCGGAGGCTGGG-3'

ClinVar aggregate classification (germline): Uncertain significance (1 of 4 stars; one submission).

Conditions:
Epidermodysplasia verruciformis. Identifiers: Orphanet 302, MedGen C0014522, MONDO:0009176.

Allele frequency attached by ClinVar (database versions not stated): TOPMed 0.00002; gnomAD 0.00001.
gnomAD v4.1: 6 of 1,562,232 alleles (0.00038%); highest among the groups gnomAD compares: Non-Finnish European, 0.00052%; no homozygotes.

Submission:

Labcorp Genetics (formerly Invitae), Labcorp
Classification: Uncertain significance for Epidermodysplasia verruciformis. Last evaluated: 2021-11-13. Review status: criteria provided, single submitter. Criteria: Invitae Variant Classification Sherloc (09022015). Collection method: clinical testing. Allele origin: germline.
Comment: This sequence change falls in intron 5 of the TMC6 gene. It does not directly change the encoded amino acid sequence of the TMC6 protein. It affects a nucleotide within the consensus splice site. This variant is present in population databases (rs753678919, gnomAD 0.003%). This variant has not been reported in the literature in individuals affected with TMC6-related conditions. Variants that disrupt the consensus splice site are a relatively common cause of aberrant splicing (PMID: 17576681, 9536098). Experimental studies and prediction algorithms are not available or were not evaluated, and the effect of this variant on mRNA splicing is currently unknown. In summary, the available evidence is currently insufficient to determine the role of this variant in disease. Therefore, it has been classified as a Variant of Uncertain Significance.

Literature cited by the submitters: PubMed 17576681; PubMed 9536098.